The following is an entry in ClinVar:

ClinVar aggregate classification (germline): Conflicting classifications of pathogenicity. Review status: criteria provided, conflicting classifications (1 of 4 stars). 7 submissions from 7 submitters: Uncertain significance (1); Likely benign (3). 3 of the submissions do not count toward it. Last evaluated 2025-12-23.

Conditions:
Inborn genetic diseases. Identifiers: MedGen C0950123, MeSH D030342.
Pseudohypoparathyroidism type 1C (PHP1C). Also called: PSEUDOHYPOPARATHYROIDISM, TYPE IC; PHP IC; Pseudohypoparathyroidism Ic (PHP-Ic). Identifiers: Orphanet 79444, MedGen C2932716, MONDO:0012911, OMIM 612462.
Progressive osseous heteroplasia (POH). Also called: Osseus Heteroplasia, Progressive; ECTOPIC OSSIFICATION, FAMILIAL; Osteoma cutis; Progressive Osseus Heteroplasia (POH). Identifiers: Orphanet 2762, MedGen C0334041, MONDO:0008153, OMIM 166350, HP:0025027.
Pseudohypoparathyroidism type 1B (PHP1B). Also called: PHP IB; Pseudohypoparathyroidism Type IB; Pseudohypoparathyroidism Ib (PHP-Ib). Identifiers: Orphanet 94089, MedGen C1864100, MONDO:0011301, OMIM 603233.
Pituitary adenoma 3, multiple types. Also called: PITUITARY ADENOMA 3, ACTH-SECRETING, SOMATIC; PITUITARY ADENOMA 3, GROWTH HORMONE-SECRETING, SOMATIC. Identifiers: MedGen C4540135, MONDO:0054665, OMIM 617686.
McCune-Albright syndrome (MAS). Also called: ALBRIGHT SYNDROME; Albright's Syndrome; Albright's disease; Fibrous Dysplasia / McCune-Albright Syndrome; McCune-Albright syndrome, somatic, mosaic. Identifiers: Orphanet 562, MedGen C0242292, MONDO:0018919, OMIM 174800.
Pseudopseudohypoparathyroidism (PPHP). Also called: ALBRIGHT HEREDITARY OSTEODYSTROPHY WITHOUT MULTIPLE HORMONE RESISTANCE; Pseudopseudohypoparathyroidism (PPHP). Identifiers: Orphanet 79445, MedGen C0033835, MONDO:0012912, OMIM 612463.
ACTH-independent macronodular adrenal hyperplasia 1 (AIMAH1). Also called: ACTH-INDEPENDENT MACRONODULAR ADRENOCORTICAL HYPERPLASIA; CUSHING SYNDROME, ADRENAL, DUE TO AIMAH; ADRENOCORTICOTROPIC HORMONE-INDEPENDENT MACRONODULAR ADRENAL HYPERPLASIA; ACTH-independent macronodular adrenal hyperplasia, somatic; CORTICOTROPIN-INDEPENDENT MACRONODULAR ADRENAL HYPERPLASIA. Identifiers: MedGen C1857451, MONDO:0020735, OMIM 219080.
Pseudohypoparathyroidism type I A (PHP1A). Also called: Pseudohypoparathyroidism Type IA; ALBRIGHT HEREDITARY OSTEODYSTROPHY WITH MULTIPLE HORMONE RESISTANCE; PHP IA; Pseudohypoparathyroidism type 1A; Pseudohypoparathyroidism Ia (PHP-Ia). Identifiers: Orphanet 79443, MedGen C3494506, MONDO:0007078, OMIM 103580.
GNAS-related disorder. Identifiers: MedGen CN380105.

Allele frequency attached by ClinVar (database versions not stated): 1000 Genomes Project 0.00020; gnomAD 0.00022 and 0.00020; TOPMed 0.00022; 1000 Genomes Project 30x 0.00016; gnomAD exomes 0.00008 and 0.00011; ExAC 0.00012.
gnomAD v4.1: 154 of 1,592,522 alleles (0.0097%); highest among the groups gnomAD compares: Admixed American, 0.058%; no homozygotes.

Submissions (7):

PreventionGenetics, part of Exact Sciences
Classification: Likely benign for GNAS-related condition. Last evaluated: 2025-12-23. Review status: criteria provided, single submitter. Criteria: ACMG Guidelines, 2015. Collection method: clinical testing. Allele origin: germline.
Comment: This variant is classified as likely benign based on ACMG/AMP sequence variant interpretation guidelines (Richards et al. 2015 PMID: 25741868, with internal and published modifications).

Laboratory of Genetics, Children's Clinical University Hospital Latvia
Classification: Likely benign. Last evaluated: 2025-02-16. Review status: criteria provided, single submitter. Criteria: ACMG Guidelines, 2015. Collection method: clinical testing. Allele origin: germline. Affected: yes.

Ambry Genetics
Classification: Likely benign for Inborn genetic diseases. Last evaluated: 2022-05-04. Review status: criteria provided, single submitter. Criteria: Ambry Variant Classification Scheme 2023. Collection method: clinical testing. Allele origin: germline.

Fulgent Genetics
Classification: Uncertain significance for Pseudohypoparathyroidism type I A; Progressive osseous heteroplasia; McCune-Albright syndrome; ACTH-independent macronodular adrenal hyperplasia 1; Pseudohypoparathyroidism type 1B; Pseudohypoparathyroidism type 1C; Pseudopseudohypoparathyroidism; Pituitary adenoma 3, multiple types. Last evaluated: 2022-04-14. Review status: criteria provided, single submitter. Criteria: ACMG Guidelines, 2015. Collection method: clinical testing. Allele origin: unknown.

Clinical Genetics DNA and cytogenetics Diagnostics Lab, Erasmus MC, Erasmus Medical Center
Classification: Uncertain significance. Review status: no assertion criteria provided. Collection method: clinical testing. Allele origin: germline. Affected: yes. Study: VKGL Data-share Consensus. Not counted in ClinVar's aggregate classification.

Clinical Genetics, Academic Medical Center
Classification: Uncertain significance. Review status: no assertion criteria provided. Collection method: clinical testing. Allele origin: germline. Affected: yes. Study: VKGL Data-share Consensus. Not counted in ClinVar's aggregate classification.

Laboratory of Diagnostic Genome Analysis, Leiden University Medical Center (LUMC)
Classification: Uncertain significance. Review status: no assertion criteria provided. Collection method: clinical testing. Allele origin: germline. Affected: yes. Study: VKGL Data-share Consensus. Not counted in ClinVar's aggregate classification.

NM_080425.4(GNAS):c.154G>A (p.Glu52Lys)

Gene: GNAS (GNAS complex locus; plus strand). Cytogenetic location: 20q13.32.
Variant type: single nucleotide variant.
Coding change: c.154G>A on transcript NM_080425.4 (MANE Plus Clinical); coding-DNA position 154, G replaced by A.
Protein change: p.Glu52Lys; replaces glutamic acid 52 with lysine.
Molecular consequence: missense variant. On other transcripts: 5 prime UTR variant (2), intron variant (3).
Genome position (GRCh38, 1-based): chr20:58,853,419, G>A. VCF-style: chr20-58853419-G-A. GRCh37 (hg19) VCF-style: chr20-57428474-G-A.
Other names: c.-34G>A (NM_001077490.3, NM_001309883.1); c.154G>A, p.Glu52Lys (NM_001410913.1); c.*42+12533G>A (NM_016592.5); c.43+12533G>A (NM_001410912.1); c.-39+11544G>A (NM_001309861.2); short protein forms E52K.
Identifiers: ClinVar variation 1205909 (VCV001205909.12), dbSNP rs527488103, ClinGen allele CA9926426.
Genomic context (GRCh38, chr20:58,853,419, plus strand): 5'-GAGGCCCCAGGGGCAGCTGCCCCCGGTGCTGGGCCTAGCCCAGCCGAAGAGATGGAGACC[G>A]AACCGCCTCACAACGAGCCCATCCCCGTCGAGAATGATGGCGAGGCCTGTGGACCCCCAG-3'
Protein context (NP_536350.2, residues 42-62): GPSPAEEMET[Glu52Lys]PPHNEPIPVE